The following is an entry in ClinVar:

ClinVar aggregate classification (germline): Likely benign (0 of 4 stars; one submission).

Conditions:
EXO1-related disorder. Also called: EXO1-related condition.

Allele frequency attached by ClinVar (database versions not stated): TOPMed 0.00002; ExAC 0.00003; gnomAD 0.00004.
gnomAD v4.1: 63 of 1,613,766 alleles (0.0039%); highest among the groups gnomAD compares: Non-Finnish European, 0.005%; no homozygotes.

Submission:

PreventionGenetics, part of Exact Sciences
Classification: Likely benign for EXO1-related condition. Last evaluated: 2019-09-04. Review status: no assertion criteria provided. Collection method: clinical testing. Allele origin: germline.
Comment: This variant is classified as likely benign based on ACMG/AMP sequence variant interpretation guidelines (Richards et al. 2015 PMID: 25741868, with internal and published modifications).

NM_130398.4(EXO1):c.435C>G (p.Leu145=)

Gene: EXO1 (exonuclease 1; plus strand). Cytogenetic location: 1q43.
Variant type: single nucleotide variant.
Coding change: c.435C>G on transcript NM_130398.4 (MANE Select); coding-DNA position 435, C replaced by G.
Protein change: p.Leu145=; no amino-acid change (leucine 145 retained).
Molecular consequence: synonymous variant.
Genome position (GRCh38, 1-based): chr1:241,857,374, C>G. VCF-style: chr1-241857374-C-G. GRCh37 (hg19) VCF-style: chr1-242020676-C-G.
Other names: c.435C>G, p.Leu145= (NM_001319224.2, NM_003686.4, NM_006027.4).
Identifiers: ClinVar variation 3053059 (VCV003053059.2), dbSNP rs749231655, ClinGen allele CA1481046.